The following is an entry in ClinVar:

ClinVar aggregate classification (germline): Likely benign. Review status: criteria provided, single submitter (1 of 4 stars). 2 submissions from 2 submitters: Likely benign (1). 1 of the submissions does not count toward it. Last evaluated 2024-12-26.

Conditions:
SLC39A14-related disorder. Also called: SLC39A14-related condition.

Allele frequency attached by ClinVar (database versions not stated): ExAC 0.00001; gnomAD exomes 0.00001; gnomAD 0.00003 and 0.00004; TOPMed 0.00003.
gnomAD v4.1: 32 of 1,599,580 alleles (0.002%); highest among the groups gnomAD compares: Middle Eastern, 0.017%; no homozygotes.

Submissions (2):

Labcorp Genetics (formerly Invitae), Labcorp
Classification: Likely benign. Last evaluated: 2024-12-26. Review status: criteria provided, single submitter. Criteria: Invitae Variant Classification Sherloc (09022015). Collection method: clinical testing. Allele origin: germline.

PreventionGenetics, part of Exact Sciences
Classification: Benign for SLC39A14-related condition. Last evaluated: 2019-02-22. Review status: no assertion criteria provided. Collection method: clinical testing. Allele origin: germline. Not counted in ClinVar's aggregate classification.
Comment: This variant is classified as benign based on ACMG/AMP sequence variant interpretation guidelines (Richards et al. 2015 PMID: 25741868, with internal and published modifications).

NM_001128431.4(SLC39A14):c.939+10C>G

Gene: SLC39A14 (solute carrier family 39 member 14; plus strand). Cytogenetic location: 8p21.3.
Variant type: single nucleotide variant.
Coding change: c.939+10C>G on transcript NM_001128431.4 (MANE Select); 10 bases into the intron after coding-DNA position 939, C replaced by G.
Molecular consequence: intron variant.
Genome position (GRCh38, 1-based): chr8:22,415,967, C>G. VCF-style: chr8-22415967-C-G. GRCh37 (hg19) VCF-style: chr8-22273480-C-G.
Other names: c.939+10C>G (NM_001135154.3, NM_001351656.2, NM_001351655.2 and 4 more transcripts); c.969+10C>G (NM_001351657.2, NM_001351658.2, NM_001351659.2).
Identifiers: ClinVar variation 1541335 (VCV001541335.10), dbSNP rs777438665, ClinGen allele CA4667477.